The following is an entry in ClinVar:

ClinVar aggregate classification (germline): Benign/Likely benign. Review status: criteria provided, multiple submitters, no conflicts (2 of 4 stars). 6 submissions from 6 submitters: Benign (1); Likely benign (5). Last evaluated 2026-01-26.

Conditions:
Aortic aneurysm, familial thoracic 4 (AAT4). Also called: AORTIC ANEURYSM/AORTIC DISSECTION AND PATENT DUCTUS ARTERIOSUS. Identifiers: MedGen C1851504, MONDO:0007568, OMIM 132900.
Familial thoracic aortic aneurysm and aortic dissection (TAAD). Also called: Thoracic aortic aneurysms and dissections. Identifiers: Orphanet 91387, MedGen C4707243, MONDO:0019625.
MYH11-related disorder. Also called: MYH11-related condition.

Allele frequency attached by ClinVar (database versions not stated): gnomAD exomes 0.00005 and 0.00010; gnomAD 0.00006 and 0.00008; ESP Exome Variant Server 0.00008; TOPMed 0.00008; ExAC 0.00013; 1000 Genomes Project 30x 0.00016; 1000 Genomes Project 0.00020.
gnomAD v4.1: 88 of 1,613,474 alleles (0.0055%); highest among the groups gnomAD compares: East Asian, 0.011%; no homozygotes.

Submissions (6):

PreventionGenetics, part of Exact Sciences
Classification: Likely benign for MYH11-related condition. Last evaluated: 2026-01-26. Review status: criteria provided, single submitter. Criteria: ACMG Guidelines, 2015. Collection method: clinical testing. Allele origin: germline.
Comment: This variant is classified as likely benign based on ACMG/AMP sequence variant interpretation guidelines (Richards et al. 2015 PMID: 25741868, with internal and published modifications).

Labcorp Genetics (formerly Invitae), Labcorp
Classification: Likely benign for Aortic aneurysm, familial thoracic 4. Last evaluated: 2025-11-17. Review status: criteria provided, single submitter. Criteria: Invitae Variant Classification Sherloc (09022015). Collection method: clinical testing. Allele origin: germline.

All of Us Research Program, National Institutes of Health
Classification: Likely benign for Familial thoracic aortic aneurysm and aortic dissection. Last evaluated: 2024-02-05. Review status: criteria provided, single submitter. Criteria: ACMG Guidelines, 2015. Collection method: clinical testing. Allele origin: germline. Inheritance: Autosomal dominant inheritance. Observed: 18 variant alleles, 18 heterozygotes.
Comment: This study involves interpretation of variants in research participants for the purpose of population health screening. Participant phenotype was not available at the time of variant classification. Additional details can be found in publication PMID: 35346344, PMCID: PMC8962531

Centre of Medical Genetics, University Hospital Muenster
Classification: Likely benign. Last evaluated: 2022-06-13. Review status: criteria provided, single submitter. Criteria: ACMG Guidelines, 2015. Collection method: clinical testing. Allele origin: unknown. Affected: yes. Observed: 1 variant allele, 1 heterozygote.
Comment: ACMG categories: BP4,BP6

Color Diagnostics, LLC DBA Color Health
Classification: Likely benign for Familial thoracic aortic aneurysm and aortic dissection. Last evaluated: 2019-01-31. Review status: criteria provided, single submitter. Criteria: ACMG Guidelines, 2015. Collection method: clinical testing. Allele origin: germline.

GeneDx
Classification: Benign. Last evaluated: 2016-04-21. Review status: criteria provided, single submitter. Criteria: GeneDx Variant Classification (06012015). Collection method: clinical testing. Allele origin: germline. Affected: yes.
Comment: This variant is considered likely benign or benign based on one or more of the following criteria: it is a conservative change, it occurs at a poorly conserved position in the protein, it is predicted to be benign by multiple in silico algorithms, and/or has population frequency not consistent with disease.

NM_002474.3(MYH11):c.4579-6C>T

Genes: MYH11 (myosin heavy chain 11; minus strand), NDE1 (nudE neurodevelopment protein 1; plus strand). Cytogenetic location: 16p13.11.
Variant type: single nucleotide variant.
Coding change: c.4579-6C>T on transcript NM_002474.3 (MANE Select); 6 bases into the intron before coding-DNA position 4579, C replaced by T.
Molecular consequence: intron variant.
Genome position (GRCh38, 1-based): chr16:15,721,057, G>A on the plus strand (C>T on the coding strand, the complement: MYH11 is on the minus strand). VCF-style: chr16-15721057-G-A. GRCh37 (hg19) VCF-style: chr16-15814914-G-A.
Other names: c.948-3134G>A (NM_001143979.2, NM_017668.3); c.4579-6C>T (NM_022844.3); c.4600-6C>T (NM_001040114.2, NM_001040113.2).
Identifiers: ClinVar variation 378207 (VCV000378207.19), dbSNP rs200223639, ClinGen allele CA7921618.